The following is an entry in ClinVar:

ClinVar aggregate classification (germline): Benign. Review status: criteria provided, multiple submitters, no conflicts (2 of 4 stars). 3 submissions from 3 submitters: Benign (2). 1 of the submissions does not count toward it. Last evaluated 2025-04-17.

Conditions:
CRYGD-related disorder. Also called: CRYGD-related condition.
Cataract 4 multiple types. Also called: CATARACT 4, MULTIPLE TYPES, WITH OR WITHOUT MICROCORNEA; CATARACT 4 WITH MICROCORNEA; CATARACT 4, ACULEIFORM; CATARACT 4, PUNCTATE; CATARACT 4, CRYSTALLINE; CATARACT 4, CENTRAL NUCLEAR. Identifiers: Orphanet 1377, MedGen C3540850, MONDO:0007281, OMIM 115700.
Aculeiform cataract (CTRCT4). Also called: Fasciculiform cataract; Frosted cataract; Needle-shaped cataract. Identifiers: MedGen C1861832, HP:0010926.

Allele frequency attached by ClinVar (database versions not stated): gnomAD 0.00029 and 0.00038; gnomAD exomes 0.00031 and 0.00094; TOPMed 0.00050; ExAC 0.00106; 1000 Genomes Project 30x 0.00265; 1000 Genomes Project 0.00300.
gnomAD v4.1: 543 of 1,611,392 alleles (0.034%); highest among the groups gnomAD compares: East Asian, 1.1%; 2 homozygotes.

Submissions (4):

Labcorp Genetics (formerly Invitae), Labcorp
Classification: Benign for Aculeiform cataract. Last evaluated: 2025-04-17. Review status: criteria provided, single submitter. Criteria: Invitae Variant Classification Sherloc (09022015). Collection method: clinical testing. Allele origin: germline.

Illumina Laboratory Services, Illumina
Classification: Benign for Cataract 4 multiple types. Last evaluated: 2018-01-12. Review status: criteria provided, single submitter. Criteria: ICSL Variant Classification Criteria 13 December 2019. Collection method: clinical testing. Allele origin: germline.
Comment: This variant was observed in the ICSL laboratory as part of a predisposition screen in an ostensibly healthy population. It had not been previously curated by ICSL or reported in the Human Gene Mutation Database (HGMD: prior to June 1st, 2018), and was therefore a candidate for classification through an automated scoring system. Utilizing variant allele frequency, disease prevalence and penetrance estimates, and inheritance mode, an automated score was calculated to assess if this variant is too frequent to cause the disease. Based on the score and internal cut-off values, a variant classified as benign is not then subjected to further curation. The score for this variant resulted in a classification of benign for this disease.

PreventionGenetics, part of Exact Sciences
Classification: Benign for CRYGD-related condition. Last evaluated: 2019-12-27. Review status: no assertion criteria provided. Collection method: clinical testing. Allele origin: germline. Not counted in ClinVar's aggregate classification.
Comment: This variant is classified as benign based on ACMG/AMP sequence variant interpretation guidelines (Richards et al. 2015 PMID: 25741868, with internal and published modifications).

Dr. Peter K. Rogan Lab, Western University
No classification provided (evidence only). Condition: Gastric cancer. Review status: no classification provided. Collection method: in vitro. Allele origin: not applicable. Functional consequence: retained intron. Not counted in ClinVar's aggregate classification.

NM_006891.4(CRYGD):c.10-7C>G

Genes: CRYGD (crystallin gamma D; minus strand), LOC100507443 (uncharacterized LOC100507443; plus strand). Cytogenetic location: 2q33.3.
Variant type: single nucleotide variant.
Coding change: c.10-7C>G on transcript NM_006891.4 (MANE Select); 7 bases into the intron before coding-DNA position 10, C replaced by G.
Molecular consequence: intron variant.
Genome position (GRCh38, 1-based): chr2:208,124,361, G>C on the plus strand (C>G on the coding strand, the complement: CRYGD is on the minus strand). VCF-style: chr2-208124361-G-C. GRCh37 (hg19) VCF-style: chr2-208989085-G-C.
Identifiers: ClinVar variation 333876 (VCV000333876.16), dbSNP rs189582567, ClinGen allele CA2077758.
Genomic context (GRCh38, chr2:208,124,361, plus strand): 5'-GCTGCTGCATTCATAGTGGCGGCCCTGGAAGCCCCGGTCCTCGTAGAGGGTGATCTGCAA[G>C]GCAAGGCGGGACAAGGCGAGGTCTCACAGGCCTGCTCCTGCCCCAGTCTCTGGCCCCCGC-3'